The following continues an entry in ClinVar:

NM_014822.4(SEC24D):c.653C>G (p.Ala218Gly)

Gene: SEC24D. ClinVar aggregate classification (germline): Benign/Likely benign. Benign (3); Likely benign (2).

Submissions 33 to 54 of 54:

Dr. Peter K. Rogan Lab, Western University
No classification provided (evidence only). Condition: Uterine corpus endometrial carcinoma. Review status: no classification provided. Collection method: in vitro. Allele origin: not applicable. Functional consequence: skipped exon, retained intron. Not counted in ClinVar's aggregate classification.

Dr. Peter K. Rogan Lab, Western University
No classification provided (evidence only). Condition: Uterine corpus endometrial carcinoma. Review status: no classification provided. Collection method: in vitro. Allele origin: not applicable. Functional consequence: skipped exon. Not counted in ClinVar's aggregate classification.

Dr. Peter K. Rogan Lab, Western University
No classification provided (evidence only). Condition: Cervical cancer. Review status: no classification provided. Collection method: in vitro. Allele origin: not applicable. Functional consequence: skipped exon. Not counted in ClinVar's aggregate classification.

Dr. Peter K. Rogan Lab, Western University
No classification provided (evidence only). Condition: Cervical cancer. Review status: no classification provided. Collection method: in vitro. Allele origin: not applicable. Functional consequence: skipped exon. Not counted in ClinVar's aggregate classification.

Dr. Peter K. Rogan Lab, Western University
No classification provided (evidence only). Condition: Sarcoma. Review status: no classification provided. Collection method: in vitro. Allele origin: not applicable. Functional consequence: skipped exon, retained intron. Not counted in ClinVar's aggregate classification.

Dr. Peter K. Rogan Lab, Western University
No classification provided (evidence only). Condition: Hepatocellular carcinoma. Review status: no classification provided. Collection method: in vitro. Allele origin: not applicable. Functional consequence: skipped exon. Not counted in ClinVar's aggregate classification.

Dr. Peter K. Rogan Lab, Western University
No classification provided (evidence only). Condition: Hepatocellular carcinoma. Review status: no classification provided. Collection method: in vitro. Allele origin: not applicable. Functional consequence: retained intron. Not counted in ClinVar's aggregate classification.

Dr. Peter K. Rogan Lab, Western University
No classification provided (evidence only). Condition: Nonpapillary renal cell carcinoma. Review status: no classification provided. Collection method: in vitro. Allele origin: not applicable. Functional consequence: skipped exon. Not counted in ClinVar's aggregate classification.

Dr. Peter K. Rogan Lab, Western University
No classification provided (evidence only). Condition: Thymoma. Review status: no classification provided. Collection method: in vitro. Allele origin: not applicable. Functional consequence: retained intron. Not counted in ClinVar's aggregate classification.

Dr. Peter K. Rogan Lab, Western University
No classification provided (evidence only). Condition: Gastric cancer. Review status: no classification provided. Collection method: in vitro. Allele origin: not applicable. Functional consequence: retained intron. Not counted in ClinVar's aggregate classification.

Dr. Peter K. Rogan Lab, Western University
No classification provided (evidence only). Condition: Gastric cancer. Review status: no classification provided. Collection method: in vitro. Allele origin: not applicable. Functional consequence: retained intron. Not counted in ClinVar's aggregate classification.

Dr. Peter K. Rogan Lab, Western University
No classification provided (evidence only). Condition: Gastric cancer. Review status: no classification provided. Collection method: in vitro. Allele origin: not applicable. Functional consequence: retained intron. Not counted in ClinVar's aggregate classification.

Dr. Peter K. Rogan Lab, Western University
No classification provided (evidence only). Condition: Gastric cancer. Review status: no classification provided. Collection method: in vitro. Allele origin: not applicable. Functional consequence: retained intron. Not counted in ClinVar's aggregate classification.

Dr. Peter K. Rogan Lab, Western University
No classification provided (evidence only). Condition: Adrenocortical carcinoma, hereditary. Review status: no classification provided. Collection method: in vitro. Allele origin: not applicable. Functional consequence: skipped exon. Not counted in ClinVar's aggregate classification.

Dr. Peter K. Rogan Lab, Western University
No classification provided (evidence only). Condition: Malignant tumor of esophagus. Review status: no classification provided. Collection method: in vitro. Allele origin: not applicable. Functional consequence: retained intron. Not counted in ClinVar's aggregate classification.

Dr. Peter K. Rogan Lab, Western University
No classification provided (evidence only). Condition: Malignant tumor of esophagus. Review status: no classification provided. Collection method: in vitro. Allele origin: not applicable. Functional consequence: skipped exon, retained intron. Not counted in ClinVar's aggregate classification.

Dr. Peter K. Rogan Lab, Western University
No classification provided (evidence only). Condition: Malignant tumor of esophagus. Review status: no classification provided. Collection method: in vitro. Allele origin: not applicable. Functional consequence: skipped exon, retained intron. Not counted in ClinVar's aggregate classification.

Dr. Peter K. Rogan Lab, Western University
No classification provided (evidence only). Condition: Malignant tumor of esophagus. Review status: no classification provided. Collection method: in vitro. Allele origin: not applicable. Functional consequence: skipped exon, retained intron. Not counted in ClinVar's aggregate classification.

Dr. Peter K. Rogan Lab, Western University
No classification provided (evidence only). Condition: Malignant tumor of esophagus. Review status: no classification provided. Collection method: in vitro. Allele origin: not applicable. Functional consequence: retained intron. Not counted in ClinVar's aggregate classification.

Dr. Peter K. Rogan Lab, Western University
No classification provided (evidence only). Condition: Malignant tumor of esophagus. Review status: no classification provided. Collection method: in vitro. Allele origin: not applicable. Functional consequence: skipped exon, retained intron. Not counted in ClinVar's aggregate classification.

Genome Diagnostics Laboratory, Amsterdam University Medical Center
Classification: Benign. Review status: no assertion criteria provided. Collection method: clinical testing. Allele origin: germline. Affected: yes. Study: VKGL Data-share Consensus. Not counted in ClinVar's aggregate classification.

Laboratory of Diagnostic Genome Analysis, Leiden University Medical Center (LUMC)
Classification: Likely benign. Review status: no assertion criteria provided. Collection method: clinical testing. Allele origin: germline. Affected: yes. Study: VKGL Data-share Consensus. Not counted in ClinVar's aggregate classification.